The following is an entry in ClinVar:

ClinVar aggregate classification (germline): Uncertain significance (1 of 4 stars; one submission).

Conditions:
Familial cancer of breast. Also called: Hereditary breast cancer; BREAST CANCER, FAMILIAL; hereditary breast carcinoma. Identifiers: Orphanet 227535, MedGen C0346153, MONDO:0016419, OMIM 114480. Disease mechanism: loss of function.

Submission:

Labcorp Genetics (formerly Invitae), Labcorp
Classification: Uncertain significance for Familial cancer of breast. Last evaluated: 2023-12-06. Review status: criteria provided, single submitter. Criteria: Invitae Variant Classification Sherloc (09022015). Collection method: clinical testing. Allele origin: germline.
Comment: This sequence change replaces glycine, which is neutral and non-polar, with arginine, which is basic and polar, at codon 307 of the CHEK2 protein (p.Gly307Arg). This variant is not present in population databases (gnomAD no frequency). This variant has not been reported in the literature in individuals affected with CHEK2-related conditions. An algorithm developed to predict the effect of missense changes on protein structure and function (PolyPhen-2) suggests that this variant is likely to be disruptive. In summary, the available evidence is currently insufficient to determine the role of this variant in disease. Therefore, it has been classified as a Variant of Uncertain Significance.

NM_007194.4(CHEK2):c.919G>C (p.Gly307Arg)

Gene: CHEK2 (checkpoint kinase 2; minus strand). Cytogenetic location: 22q12.1.
Variant type: single nucleotide variant.
Coding change: c.919G>C on transcript NM_007194.4 (MANE Select); coding-DNA position 919, G replaced by C.
Protein change: p.Gly307Arg; replaces glycine 307 with arginine.
Molecular consequence: missense variant.
Genome position (GRCh38, 1-based): chr22:28,699,927, C>G on the plus strand (G>C on the coding strand, the complement: CHEK2 is on the minus strand). VCF-style: chr22-28699927-C-G. GRCh37 (hg19) VCF-style: chr22-29095915-C-G.
Other names: c.1048G>C, p.Gly350Arg (NM_001005735.3); c.256G>C, p.Gly86Arg (NM_001257387.3); c.718G>C, p.Gly240Arg (NM_001349956.3); c.919G>C, p.Gly307Arg (NM_145862.3); short protein forms G240R, G307R, G350R, G86R.
Identifiers: ClinVar variation 2701274 (VCV002701274.3), dbSNP rs1555915533, ClinGen allele CA411100143.